The following is an entry in ClinVar:

NM_004415.4(DSP):c.6520G>A (p.Asp2174Asn)

Gene: DSP (desmoplakin; plus strand). Cytogenetic location: 6p24.3.
Variant type: single nucleotide variant.
Coding change: c.6520G>A on transcript NM_004415.4 (MANE Select); coding-DNA position 6520, G replaced by A.
Protein change: p.Asp2174Asn; replaces aspartic acid 2174 with asparagine.
Molecular consequence: missense variant.
Genome position (GRCh38, 1-based): chr6:7,583,782, G>A. VCF-style: chr6-7583782-G-A. GRCh37 (hg19) VCF-style: chr6-7584015-G-A.
Other names: c.4723G>A, p.Asp1575Asn (NM_001008844.3); c.5191G>A, p.Asp1731Asn (NM_001319034.2); short protein forms D1575N, D2174N, D1731N.
Identifiers: ClinVar variation 2775347 (VCV002775347.2), dbSNP rs2533941835, ClinGen allele CA362690969.

ClinVar aggregate classification (germline): Uncertain significance (1 of 4 stars; one submission).

Conditions:
Cardiomyopathy (CMYO). Also called: Cardiomyopathies. Identifiers: Orphanet 167848, MedGen C0878544, MONDO:0004994, HP:0001638. Inheritance: Various modes of inheritance.

Submission:

Color Diagnostics, LLC DBA Color Health
Classification: Uncertain significance for Cardiomyopathy. Last evaluated: 2023-12-27. Review status: criteria provided, single submitter. Criteria: ACMG Guidelines, 2015. Collection method: clinical testing. Allele origin: germline.
Comment: This missense variant replaces aspartic acid with asparagine at codon 2174 of the DSP protein. Computational prediction is inconclusive regarding the impact of this variant on protein structure and function (internally defined REVEL score threshold 0.5 < inconclusive < 0.7, PMID: 27666373). To our knowledge, functional studies have not been reported for this variant. This variant has not been reported in individuals affected with DSP-related disorders in the literature. This variant has not been identified in the general population by the Genome Aggregation Database (gnomAD). The available evidence is insufficient to determine the role of this variant in disease conclusively. Therefore, this variant is classified as a Variant of Uncertain Significance.